The following is an entry in ClinVar:

NM_004667.6(HERC2):c.6771G>C (p.Leu2257Phe)

Gene: HERC2 (HECT and RLD domain containing E3 ubiquitin protein ligase 2; minus strand). Cytogenetic location: 15q13.1.
Variant type: single nucleotide variant.
Coding change: c.6771G>C on transcript NM_004667.6 (MANE Select); coding-DNA position 6771, G replaced by C.
Protein change: p.Leu2257Phe; replaces leucine 2257 with phenylalanine.
Molecular consequence: missense variant.
Genome position (GRCh38, 1-based): chr15:28,213,757, C>G on the plus strand (G>C on the coding strand, the complement: HERC2 is on the minus strand). VCF-style: chr15-28213757-C-G. GRCh37 (hg19) VCF-style: chr15-28458903-C-G.
Other names: c.6771G>C (NM_004667.5); short protein forms L2257F.
Identifiers: ClinVar variation 4270280 (VCV004270280.2).

ClinVar aggregate classification (germline): Uncertain significance. Review status: criteria provided, multiple submitters, no conflicts (2 of 4 stars). 2 submissions from 2 submitters: Uncertain significance (2). Last evaluated 2025-08-14.

Conditions:
Inborn genetic diseases. Identifiers: MedGen C0950123, MeSH D030342.

gnomAD v4.1: 19 of 1,613,740 alleles (0.0012%); highest among the groups gnomAD compares: Admixed American, 0.0033%; no homozygotes.

Submissions (2):

Ambry Genetics
Classification: Uncertain significance for Inborn genetic diseases. Last evaluated: 2025-08-14. Review status: criteria provided, single submitter. Criteria: Ambry Variant Classification Scheme 2023. Collection method: clinical testing. Allele origin: germline.

GeneDx
Classification: Uncertain significance. Last evaluated: 2025-05-19. Review status: criteria provided, single submitter. Criteria: GeneDx Variant Classification Process June 2021. Collection method: clinical testing. Allele origin: germline. Affected: yes.
Comment: Not observed at significant frequency in large population cohorts (gnomAD); In silico analysis suggests that this missense variant does not alter protein structure/function; Has not been previously published as pathogenic or benign to our knowledge